The following is an entry in ClinVar:

NM_018130.3(SHQ1):c.523G>T (p.Asp175Tyr)

Gene: SHQ1 (SHQ1, H/ACA ribonucleoprotein assembly factor; minus strand). Cytogenetic location: 3p13.
Variant type: single nucleotide variant.
Coding change: c.523G>T on transcript NM_018130.3 (MANE Select); coding-DNA position 523, G replaced by T.
Protein change: p.Asp175Tyr; replaces aspartic acid 175 with tyrosine.
Molecular consequence: missense variant.
Genome position (GRCh38, 1-based): chr3:72,832,445, C>A on the plus strand (G>T on the coding strand, the complement: SHQ1 is on the minus strand). VCF-style: chr3-72832445-C-A. GRCh37 (hg19) VCF-style: chr3-72881596-C-A.
Other names: short protein forms D175Y.
Identifiers: ClinVar variation 1693526 (VCV001693526.8), dbSNP rs143636968, ClinGen allele CA2492574.

ClinVar aggregate classification (germline): Conflicting classifications of pathogenicity. Review status: criteria provided, conflicting classifications (1 of 4 stars). 6 submissions from 6 submitters: Pathogenic (1); Likely pathogenic (1); Uncertain significance (3). 1 of the submissions does not count toward it. Last evaluated 2026-05-20.

Conditions:
Dystonia 35, childhood-onset (DYT35). Identifiers: MedGen C5677003, MONDO:0030958, OMIM 619921.
Neurodevelopmental disorder with dystonia and seizures (NEDDS). Identifiers: MedGen C5677004, MONDO:0859258, OMIM 619922.

Allele frequency attached by ClinVar (database versions not stated): 1000 Genomes Project 0.00020; ExAC 0.00028; 1000 Genomes Project 30x 0.00031; gnomAD exomes 0.00039 and 0.00067; ESP Exome Variant Server 0.00046; gnomAD 0.00048 and 0.00051; TOPMed 0.00052.
gnomAD v4.1: 1,047 of 1,613,010 alleles (0.065%); highest among the groups gnomAD compares: Non-Finnish European, 0.081%; 1 homozygote.

Submissions (6):

Ambry Genetics
Classification: Uncertain significance. Last evaluated: 2026-05-20. Review status: criteria provided, single submitter. Criteria: Ambry Variant Classification Scheme 2023. Collection method: clinical testing. Allele origin: germline.
Comment: The c.523G>T (p.D175Y) alteration is located in coding exon 5 of the SHQ1 gene. This alteration results from a G to T substitution at nucleotide position 523, causing the aspartic acid (D) at amino acid position 175 to be replaced by a tyrosine (Y). Based on data from gnomAD, the T allele has an overall frequency of 0.038% (108/282666) total alleles studied. The highest observed frequency was 0.069% (5/7218) of Other alleles. This amino acid position is highly conserved in available vertebrate species. This amino acid alteration is predicted to be deleterious by in silico analysis. In silico splice site analysis predicts that this nucleotide alteration will result in the creation or strengthening of a novel splice acceptor site. Based on insufficient or conflicting evidence, the clinical significance of this alteration remains unclear.

Mendelics
Classification: Pathogenic for Neurodevelopmental disorder with dystonia and seizures. Last evaluated: 2026-03-05. Review status: criteria provided, single submitter. Criteria: ACMG Guidelines, 2015. Collection method: clinical testing. Allele origin: unknown.
Comment: Likely pathogenic/Pathogenic according to ACMG criteria.

GeneDx
Classification: Uncertain significance. Last evaluated: 2026-01-12. Review status: criteria provided, single submitter. Criteria: GeneDx Variant Classification Process June 2021. Collection method: clinical testing. Allele origin: germline.
Comment: Published functional studies suggest a damaging effect: defects in rRNA processing and ribosome formation (PMID: 34542157); In silico analysis supports that this missense variant has a deleterious effect on protein structure/function; In silico analysis suggests this variant may impact gene splicing. In the absence of RNA/functional studies, the actual effect of this sequence change is unknown.; This variant is associated with the following publications: (PMID: 36810590, 34740920, 36847845, 34542157, 36416405, 38482315, 37475611, 40967470)

Blueprint Genetics
Classification: Uncertain significance. Last evaluated: 2024-10-24. Review status: criteria provided, single submitter. Criteria: ACMG Guidelines, 2015. Collection method: clinical testing. Allele origin: germline.

Victorian Clinical Genetics Services, Murdoch Childrens Research Institute
Classification: Likely pathogenic for Dystonia 35, childhood-onset. Last evaluated: 2023-12-21. Review status: criteria provided, single submitter. Criteria: ACMG Guidelines, 2015. Collection method: clinical testing. Allele origin: germline. Inheritance: Autosomal recessive inheritance. Affected: yes.
Comment: Based on the classification scheme VCGS_Germline_v1.3.4, this variant is classified as Likely Pathogenic. Following criteria are met: 0102 - Loss of function is a known mechanism of disease in this gene and is associated with childhood onset dystonia 35 (MIM#619921). (I) 0106 - This gene is associated with autosomal recessive disease. (I) 0200 - Variant is predicted to result in a missense amino acid change from aspartic acid to tyrosine. (I) 0251 - This variant is heterozygous. (I) 0304 - Variant is present in gnomAD <0.01 for a recessive condition (v2: 106 heterozygotes, 1 homozygote). (SP) 0501 - Missense variant consistently predicted to be damaging by multiple in silico tools or highly conserved with a major amino acid change. (SP) 0600 - Variant is located in the annotated C-terminal SHQ1 specific domain (SSD) (PMID:25553844). (I) 0705 - No comparable missense variants have previous evidence for pathogenicity. (I) 0803 - This variant has limited previous evidence of pathogenicity in unrelated individuals. This variant has been reported in two compound heterozygous families with early-onset dystonia with and without developmental delay and cognitive impairment (PMID:36416405, 34542157). (SP) 1002 - This variant has moderate functional evidence supporting abnormal protein function. Expression of this variant in yeast slowed cell growth and had ribosome biogenesis defects. However, this variant had normal interaction with the yeast homolog of DKC1, suggesting this is a hypomorphic allele (PMID:34542157). (SP) 1208 - Inheritance information for this variant is not currently available in this individual. (I) Legend: (SP) - Supporting pathogenic, (I) - Information, (SB) - Supporting benign

OMIM
Classification: Pathogenic for DYSTONIA 35, CHILDHOOD-ONSET. Last evaluated: 2026-08-21. Review status: no assertion criteria provided. Collection method: literature only. Allele origin: germline. Not counted in ClinVar's aggregate classification.

Literature cited by the submitters: PubMed 25553844 (cited by Victorian Clinical Genetics Services, Murdoch Childrens Research Institute); PubMed 34542157 (cited by Victorian Clinical Genetics Services, Murdoch Childrens Research Institute and OMIM); PubMed 36416405 (cited by Victorian Clinical Genetics Services, Murdoch Childrens Research Institute and OMIM); PubMed 37475611 (cited by OMIM).